The following is an entry in ClinVar:

ClinVar aggregate classification (germline): Uncertain significance (1 of 4 stars; one submission).

Allele frequency attached by ClinVar (database versions not stated): ExAC 0.00002; gnomAD exomes 0.00002; TOPMed 0.00002; gnomAD 0.00003.
gnomAD v4.1: 27 of 1,614,036 alleles (0.0017%); highest among the groups gnomAD compares: African/African-American, 0.008%; no homozygotes.

Submission:

Labcorp Genetics (formerly Invitae), Labcorp
Classification: Uncertain significance. Last evaluated: 2021-02-14. Review status: criteria provided, single submitter. Criteria: Invitae Variant Classification Sherloc (09022015). Collection method: clinical testing. Allele origin: germline.
Comment: In summary, the available evidence is currently insufficient to determine the role of this variant in disease. Therefore, it has been classified as a Variant of Uncertain Significance. Algorithms developed to predict the effect of missense changes on protein structure and function output the following: SIFT: "Not Available"; PolyPhen-2: "Benign"; Align-GVGD: "Not Available". The leucine amino acid residue is found in multiple mammalian species, suggesting that this missense change does not adversely affect protein function. These predictions have not been confirmed by published functional studies and their clinical significance is uncertain. This variant has not been reported in the literature in individuals with ADAMTS17-related conditions. This variant is present in population databases (rs778582648, ExAC 0.01%). This sequence change replaces serine with leucine at codon 1095 of the ADAMTS17 protein (p.Ser1095Leu). The serine residue is weakly conserved and there is a large physicochemical difference between serine and leucine.

NM_139057.4(ADAMTS17):c.3284C>T (p.Ser1095Leu)

Gene: ADAMTS17 (ADAM metallopeptidase with thrombospondin type 1 motif 17; minus strand). Cytogenetic location: 15q26.3.
Variant type: single nucleotide variant.
Coding change: c.3284C>T on transcript NM_139057.4 (MANE Select); coding-DNA position 3284, C replaced by T.
Protein change: p.Ser1095Leu; replaces serine 1095 with leucine.
Molecular consequence: missense variant.
Genome position (GRCh38, 1-based): chr15:99,974,406, G>A on the plus strand (C>T on the coding strand, the complement: ADAMTS17 is on the minus strand). VCF-style: chr15-99974406-G-A. GRCh37 (hg19) VCF-style: chr15-100514611-G-A.
Other names: short protein forms S1095L.
Identifiers: ClinVar variation 1376698 (VCV001376698.6), dbSNP rs778582648, ClinGen allele CA7757397.